The following is an entry in ClinVar:

NM_183050.4(BCKDHB):c.593A>T (p.Gln198Leu)

Gene: BCKDHB (branched chain keto acid dehydrogenase E1 subunit beta; plus strand). Cytogenetic location: 6q14.1.
Variant type: single nucleotide variant.
Coding change: c.593A>T on transcript NM_183050.4 (MANE Select); coding-DNA position 593, A replaced by T.
Protein change: p.Gln198Leu; replaces glutamine 198 with leucine.
Molecular consequence: missense variant. On other transcripts: non-coding transcript variant (6).
Genome position (GRCh38, 1-based): chr6:80,168,990, A>T. VCF-style: chr6-80168990-A-T. GRCh37 (hg19) VCF-style: chr6-80878707-A-T.
Other names: c.593A>T, p.Gln198Leu (NM_000056.5, NM_001424035.1, NM_001424036.1 and 8 more transcripts); c.383A>T, p.Gln128Leu (NM_001318975.1, NM_001424043.1); short protein forms Q128L, Q198L.
Identifiers: ClinVar variation 2585073 (VCV002585073.1), dbSNP rs2127775938, ClinGen allele CA364658013.

ClinVar aggregate classification (germline): Uncertain significance (1 of 4 stars; one submission).

Conditions:
Maple syrup urine disease (MSUD). Identifiers: Orphanet 511, MedGen C0024776, MeSH D008375, MONDO:0009563. Disease mechanism: loss of function.

Submission:

Neuberg Centre For Genomic Medicine, NCGM
Classification: Uncertain significance for Maple syrup urine disease type 1A. Review status: criteria provided, single submitter. Criteria: ACMG Guidelines, 2015. Collection method: clinical testing. Allele origin: germline. Inheritance: Autosomal recessive inheritance. Affected: yes.
Comment: The missense c.593A>T (p.Gln198Leu) variant BCKDHB gene has not been reported previously as a pathogenic variant nor as a benign variant, to our knowledge. The variant is novel (not in any individuals) in gnomAD Exomes and 1000 Genomes. The amino acid Gln at position 198 is changed to a Leu changing protein sequence and it might alter its composition and physico-chemical properties. For these reasons, this variant has been classified as Uncertain Significance.